The following is an entry in ClinVar:

ClinVar aggregate classification (germline): Uncertain significance (1 of 4 stars; one submission).

Conditions:
Immunodeficiency. Identifiers: MedGen C0021051, MONDO:0021094, HP:0002721.

Submission:

Labcorp Genetics (formerly Invitae), Labcorp
Classification: Uncertain significance for Immunodeficiency. Last evaluated: 2024-08-01. Review status: criteria provided, single submitter. Criteria: Invitae Variant Classification Sherloc (09022015). Collection method: clinical testing. Allele origin: germline.
Comment: This sequence change replaces serine, which is neutral and polar, with asparagine, which is neutral and polar, at codon 1019 of the NFAT5 protein (p.Ser1019Asn). This variant is not present in population databases (gnomAD no frequency). This variant has not been reported in the literature in individuals affected with NFAT5-related conditions. An algorithm developed to predict the effect of missense changes on protein structure and function outputs the following: PolyPhen-2: "Benign". The asparagine amino acid residue is found in multiple mammalian species, which suggests that this missense change does not adversely affect protein function. In summary, the available evidence is currently insufficient to determine the role of this variant in disease. Therefore, it has been classified as a Variant of Uncertain Significance.

NM_138713.4(NFAT5):c.3338G>A (p.Ser1113Asn)

Gene: NFAT5 (nuclear factor of activated T cells 5; plus strand). Cytogenetic location: 16q22.1.
Variant type: single nucleotide variant.
Coding change: c.3338G>A on transcript NM_138713.4 (MANE Select); coding-DNA position 3338, G replaced by A.
Protein change: p.Ser1113Asn; replaces serine 1113 with asparagine.
Molecular consequence: missense variant.
Genome position (GRCh38, 1-based): chr16:69,693,163, G>A. VCF-style: chr16-69693163-G-A. GRCh37 (hg19) VCF-style: chr16-69727066-G-A.
Other names: c.3335G>A, p.Ser1112Asn (NM_001113178.3); c.2663G>A, p.Ser888Asn (NM_001367709.1); c.3284G>A, p.Ser1095Asn (NM_006599.4); c.3056G>A, p.Ser1019Asn (NM_138714.4, NM_173214.3, NM_173215.3); short protein forms S1019N, S1095N, S1112N, S1113N, S888N.
Identifiers: ClinVar variation 3714721 (VCV003714721.2).